The following is an entry in ClinVar:

ClinVar aggregate classification (germline): Uncertain significance (1 of 4 stars; one submission).

gnomAD v4.1: 6 of 1,613,086 alleles (0.00037%); highest among the groups gnomAD compares: South Asian, 0.0044%; no homozygotes.

Submission:

Labcorp Genetics (formerly Invitae), Labcorp
Classification: Uncertain significance. Last evaluated: 2022-01-15. Review status: criteria provided, single submitter. Criteria: Invitae Variant Classification Sherloc (09022015). Collection method: clinical testing. Allele origin: germline.
Comment: This variant is present in population databases (rs749762077, gnomAD 0.01%). In summary, the available evidence is currently insufficient to determine the role of this variant in disease. Therefore, it has been classified as a Variant of Uncertain Significance. Algorithms developed to predict the effect of missense changes on protein structure and function output the following: SIFT: "Tolerated"; PolyPhen-2: "Benign"; Align-GVGD: "Class C0". The leucine amino acid residue is found in multiple mammalian species, which suggests that this missense change does not adversely affect protein function. This variant has not been reported in the literature in individuals affected with CFB-related conditions. This sequence change replaces valine, which is neutral and non-polar, with leucine, which is neutral and non-polar, at codon 61 of the CFB protein (p.Val61Leu).

NM_001710.6(CFB):c.181G>C (p.Val61Leu)

Gene: CFB (complement factor B; plus strand). Cytogenetic location: 6p21.33.
Variant type: single nucleotide variant.
Coding change: c.181G>C on transcript NM_001710.6 (MANE Select); coding-DNA position 181, G replaced by C.
Protein change: p.Val61Leu; replaces valine 61 with leucine.
Molecular consequence: missense variant.
Genome position (GRCh38, 1-based): chr6:31,946,489, G>C. VCF-style: chr6-31946489-G-C. GRCh37 (hg19) VCF-style: chr6-31914266-G-C.
Other names: short protein forms V61L.
Identifiers: ClinVar variation 2177529 (VCV002177529.4), dbSNP rs749762077, ClinGen allele CA3727962.